The following is an entry in ClinVar:

ClinVar aggregate classification (germline): Uncertain significance (1 of 4 stars; one submission).

Allele frequency attached by ClinVar (database versions not stated): gnomAD exomes below 0.00001; gnomAD 0.00001; TOPMed 0.00002.
gnomAD v4.1: 2 of 1,613,608 alleles (0.00012%); highest among the groups gnomAD compares: Non-Finnish European, 0.00017%; no homozygotes.

Submission:

Labcorp Genetics (formerly Invitae), Labcorp
Classification: Uncertain significance. Last evaluated: 2021-10-20. Review status: criteria provided, single submitter. Criteria: Invitae Variant Classification Sherloc (09022015). Collection method: clinical testing. Allele origin: germline.
Comment: This sequence change replaces serine with phenylalanine at codon 205 of the GHRHR protein (p.Ser205Phe). The serine residue is highly conserved and there is a large physicochemical difference between serine and phenylalanine. This variant is not present in population databases (ExAC no frequency). This variant has not been reported in the literature in individuals affected with GHRHR-related conditions. Algorithms developed to predict the effect of missense changes on protein structure and function (SIFT, PolyPhen-2, Align-GVGD) all suggest that this variant is likely to be disruptive. In summary, the available evidence is currently insufficient to determine the role of this variant in disease. Therefore, it has been classified as a Variant of Uncertain Significance.

NM_000823.4(GHRHR):c.614C>T (p.Ser205Phe)

Gene: GHRHR (growth hormone releasing hormone receptor; plus strand). Cytogenetic location: 7p14.3.
Variant type: single nucleotide variant.
Coding change: c.614C>T on transcript NM_000823.4 (MANE Select); coding-DNA position 614, C replaced by T.
Protein change: p.Ser205Phe; replaces serine 205 with phenylalanine.
Molecular consequence: missense variant.
Genome position (GRCh38, 1-based): chr7:30,974,001, C>T. VCF-style: chr7-30974001-C-T. GRCh37 (hg19) VCF-style: chr7-31013616-C-T.
Other names: short protein forms S205F.
Identifiers: ClinVar variation 1357454 (VCV001357454.6), dbSNP rs1203248404, ClinGen allele CA367154357.